The following is an entry in ClinVar:

ClinVar aggregate classification (germline): Likely pathogenic (1 of 4 stars; one submission).

Conditions:
Autosomal dominant Alport syndrome (ATS3A). Also called: ALPORT SYNDROME 3A, AUTOSOMAL DOMINANT; Alport syndrome dominant type; Renal failure and sensorineural hearing loss. Identifiers: Orphanet 63, Orphanet 88918, MedGen C5882663, MONDO:0007086, OMIM 104200.

Submission:

Centre de Génétique Humaine, Institut de Pathologie Et de Génétique
Classification: Likely pathogenic for Autosomal dominant Alport syndrome. Last evaluated: 2026-02-20. Review status: criteria provided, single submitter. Criteria: ACMG Guidelines, 2015. Collection method: clinical testing. Allele origin: germline. Inheritance: Autosomal dominant inheritance. Affected: yes. Observed: 1 variant allele, 1 heterozygote. Segregation with disease not observed.
Comment: This missense variant involves a highly conserved glycine located in a ‘Gly-X-Y’ motif in a non-collagenous/ collagenous boundary region (PM1, PP2). This variant is rare: absent in gnomAD v4.1.0 database (PM2); In silico analysis supports that this missense variant has a deleterious effect (PP3). Another missense variant affecting the same residue described as disease causing: c.1750G>T, p.Gly584Cys, PMID: 14871398 (PM5).

NM_000091.5(COL4A3):c.1750G>C (p.Gly584Arg)

Genes: COL4A3 (collagen type IV alpha 3 chain; plus strand), MFF-DT (MFF divergent transcript; minus strand). Cytogenetic location: 2q36.3.
Variant type: single nucleotide variant.
Coding change: c.1750G>C on transcript NM_000091.5 (MANE Select); coding-DNA position 1750, G replaced by C.
Protein change: p.Gly584Arg; replaces glycine 584 with arginine.
Molecular consequence: missense variant.
Genome position (GRCh38, 1-based): chr2:227,270,944, G>C. VCF-style: chr2-227270944-G-C. GRCh37 (hg19) VCF-style: chr2-228135660-G-C.
Other names: p.(Gly584Arg); short protein forms G584R.
Identifiers: ClinVar variation 4853852 (VCV004853852.1).